The following is an entry in ClinVar:

NM_001942.4(DSG1):c.2627A>T (p.Asp876Val)

Genes: DSG1 (desmoglein 1; plus strand), DSG1-AS1 (DSG1 antisense RNA 1; minus strand), LOC126862720 (MED14-independent group 3 enhancer GRCh37_chr18:28933613-28934812; plus strand). Cytogenetic location: 18q12.1.
Variant type: single nucleotide variant.
Coding change: c.2627A>T on transcript NM_001942.4 (MANE Select); coding-DNA position 2627, A replaced by T.
Protein change: p.Asp876Val; replaces aspartic acid 876 with valine.
Molecular consequence: missense variant.
Genome position (GRCh38, 1-based): chr18:31,354,823, A>T. VCF-style: chr18-31354823-A-T. GRCh37 (hg19) VCF-style: chr18-28934786-A-T.
Other names: short protein forms D876V.
Identifiers: ClinVar variation 2190417 (VCV002190417.4), dbSNP rs2510845956, ClinGen allele CA402123719.

ClinVar aggregate classification (germline): Uncertain significance (1 of 4 stars; one submission).

Submission:

Labcorp Genetics (formerly Invitae), Labcorp
Classification: Uncertain significance. Last evaluated: 2022-04-29. Review status: criteria provided, single submitter. Criteria: Invitae Variant Classification Sherloc (09022015). Collection method: clinical testing. Allele origin: germline.
Comment: In summary, the available evidence is currently insufficient to determine the role of this variant in disease. Therefore, it has been classified as a Variant of Uncertain Significance. Algorithms developed to predict the effect of missense changes on protein structure and function (SIFT, PolyPhen-2, Align-GVGD) all suggest that this variant is likely to be disruptive. This variant has not been reported in the literature in individuals affected with DSG1-related conditions. This variant is not present in population databases (gnomAD no frequency). This sequence change replaces aspartic acid, which is acidic and polar, with valine, which is neutral and non-polar, at codon 876 of the DSG1 protein (p.Asp876Val).